The following is an entry in ClinVar:

ClinVar aggregate classification (germline): Uncertain significance. Review status: criteria provided, multiple submitters, no conflicts (2 of 4 stars). 2 submissions from 2 submitters: Uncertain significance (2). Last evaluated 2024-05-30.

Conditions:
Inborn genetic diseases. Identifiers: MedGen C0950123, MeSH D030342.

Allele frequency attached by ClinVar (database versions not stated): gnomAD exomes below 0.00001.
gnomAD v4.1: 1 of 1,613,734 alleles (0.000062%); no homozygotes.

Submissions (2):

Ambry Genetics
Classification: Uncertain significance for Inborn genetic diseases. Last evaluated: 2024-05-30. Review status: criteria provided, single submitter. Criteria: Ambry Variant Classification Scheme 2023. Collection method: clinical testing. Allele origin: germline.

Labcorp Genetics (formerly Invitae), Labcorp
Classification: Uncertain significance. Last evaluated: 2021-10-05. Review status: criteria provided, single submitter. Criteria: Invitae Variant Classification Sherloc (09022015). Collection method: clinical testing. Allele origin: germline.
Comment: This variant has not been reported in the literature in individuals affected with BMP1-related conditions. In summary, the available evidence is currently insufficient to determine the role of this variant in disease. Therefore, it has been classified as a Variant of Uncertain Significance. Algorithms developed to predict the effect of missense changes on protein structure and function (SIFT, PolyPhen-2, Align-GVGD) all suggest that this variant is likely to be disruptive. This variant is not present in population databases (ExAC no frequency). This sequence change replaces serine with phenylalanine at codon 796 of the BMP1 protein (p.Ser796Phe). The serine residue is highly conserved and there is a large physicochemical difference between serine and phenylalanine.

NM_006129.5(BMP1):c.2387C>T (p.Ser796Phe)

Gene: BMP1 (bone morphogenetic protein 1; plus strand). Cytogenetic location: 8p21.3.
Variant type: single nucleotide variant.
Coding change: c.2387C>T on transcript NM_006129.5 (MANE Select); coding-DNA position 2387, C replaced by T.
Protein change: p.Ser796Phe; replaces serine 796 with phenylalanine.
Molecular consequence: missense variant. On other transcripts: non-coding transcript variant (1).
Genome position (GRCh38, 1-based): chr8:22,207,328, C>T. VCF-style: chr8-22207328-C-T. GRCh37 (hg19) VCF-style: chr8-22064841-C-T.
Other names: c.2387C>T (NM_006129.4); short protein forms S796F.
Identifiers: ClinVar variation 1492628 (VCV001492628.7), dbSNP rs2131902412, ClinGen allele CA370509082.